The following is an entry in ClinVar:

ClinVar aggregate classification (germline): Conflicting classifications of pathogenicity. Review status: criteria provided, conflicting classifications (1 of 4 stars). 5 submissions from 5 submitters: Uncertain significance (4); Likely benign (1). Last evaluated 2026-01-23.

Conditions:
Aicardi-Goutieres syndrome 2. Identifiers: Orphanet 51, MedGen C3489724, MONDO:0012429, OMIM 610181.

Allele frequency attached by ClinVar (database versions not stated): gnomAD exomes 0.00004 and 0.00012; ExAC 0.00014; ESP Exome Variant Server 0.00038; gnomAD 0.00049 and 0.00053; TOPMed 0.00063; 1000 Genomes Project 30x 0.00094; 1000 Genomes Project 0.00100.
gnomAD v4.1: 137 of 1,612,558 alleles (0.0085%); highest among the groups gnomAD compares: African/African-American, 0.16%; no homozygotes.

Submissions (5):

Women's Health and Genetics/Laboratory Corporation of America, LabCorp
Classification: Uncertain significance. Last evaluated: 2026-01-23. Review status: criteria provided, single submitter. Criteria: LabCorp Variant Classification Summary - May 2015. Collection method: clinical testing. Allele origin: germline.

Blueprint Genetics
Classification: Likely benign. Last evaluated: 2024-11-27. Review status: criteria provided, single submitter. Criteria: ACMG Guidelines, 2015. Collection method: clinical testing. Allele origin: germline.

Fulgent Genetics
Classification: Uncertain significance for Aicardi-Goutieres syndrome 2. Last evaluated: 2024-01-30. Review status: criteria provided, single submitter. Criteria: ACMG Guidelines, 2015. Collection method: clinical testing. Allele origin: germline.

Labcorp Genetics (formerly Invitae), Labcorp
Classification: Uncertain significance for Aicardi-Goutieres syndrome 2. Last evaluated: 2022-09-27. Review status: criteria provided, single submitter. Criteria: Invitae Variant Classification Sherloc (09022015). Collection method: clinical testing. Allele origin: germline.
Comment: This sequence change replaces valine, which is neutral and non-polar, with methionine, which is neutral and non-polar, at codon 175 of the RNASEH2B protein (p.Val175Met). This variant is present in population databases (rs141049110, gnomAD 0.2%). This variant has not been reported in the literature in individuals affected with RNASEH2B-related conditions. ClinVar contains an entry for this variant (Variation ID: 648067). Algorithms developed to predict the effect of missense changes on protein structure and function output the following: SIFT: "Tolerated"; PolyPhen-2: "Benign"; Align-GVGD: "Class C0". The methionine amino acid residue is found in multiple mammalian species, which suggests that this missense change does not adversely affect protein function. In summary, the available evidence is currently insufficient to determine the role of this variant in disease. Therefore, it has been classified as a Variant of Uncertain Significance.

Illumina Laboratory Services, Illumina
Classification: Uncertain significance for Aicardi-Goutieres syndrome 2. Last evaluated: 2018-01-12. Review status: criteria provided, single submitter. Criteria: ICSL Variant Classification Criteria 13 December 2019. Collection method: clinical testing. Allele origin: germline.

NM_024570.4(RNASEH2B):c.523G>A (p.Val175Met)

Gene: RNASEH2B (ribonuclease H2 subunit B; plus strand). Cytogenetic location: 13q14.3.
Variant type: single nucleotide variant.
Coding change: c.523G>A on transcript NM_024570.4 (MANE Select); coding-DNA position 523, G replaced by A.
Protein change: p.Val175Met; replaces valine 175 with methionine.
Molecular consequence: missense variant.
Genome position (GRCh38, 1-based): chr13:50,945,439, G>A. VCF-style: chr13-50945439-G-A. GRCh37 (hg19) VCF-style: chr13-51519575-G-A.
Other names: c.523G>A, p.Val175Met (NM_001142279.2); short protein forms V175M.
Identifiers: ClinVar variation 648067 (VCV000648067.10), dbSNP rs141049110, ClinGen allele CA6985611.